The following is an entry in ClinVar:

NM_005138.3(SCO2):c.191C>G (p.Thr64Arg)

Genes: NCAPH2 (non-SMC condensin II complex subunit H2; plus strand), SCO2 (synthesis of cytochrome C oxidase 2; minus strand). Cytogenetic location: 22q13.33.
Variant type: single nucleotide variant.
Coding change: c.191C>G on transcript NM_005138.3 (MANE Select); coding-DNA position 191, C replaced by G.
Protein change: p.Thr64Arg; replaces threonine 64 with arginine.
Molecular consequence: missense variant. On other transcripts: 3 prime UTR variant (2).
Genome position (GRCh38, 1-based): chr22:50,524,221, G>C on the plus strand (C>G on the coding strand, the complement: SCO2 is on the minus strand). VCF-style: chr22-50524221-G-C. GRCh37 (hg19) VCF-style: chr22-50962650-G-C.
Other names: c.*846G>C (NM_001185011.2, NM_152299.4); c.191C>G, p.Thr64Arg (NM_001169109.2, NM_001169110.1, NM_001169111.2); short protein forms T64R.
Identifiers: ClinVar variation 1365011 (VCV001365011.8), dbSNP rs2148672101, ClinGen allele CA412193730.
Genomic context (GRCh38, chr22:50,524,221, plus strand): 5'-CTCTCCTTCTCAGCCCTCAGGGCCAGCCAGGCCCCACCGAGTCCAGCCCCGAACAGGCCT[G>C]TGATCAGCAGCCGGGTTCGAAGCCCAGGGCCCTGGGGCTGGCCCTGCCCACCTGTCTCTG-3'
Protein context (NP_005129.2, residues 54-74): GPGLRTRLLI[Thr64Arg]GLFGAGLGGA

ClinVar aggregate classification (germline): Uncertain significance (1 of 4 stars; one submission).

Submission:

Labcorp Genetics (formerly Invitae), Labcorp
Classification: Uncertain significance. Last evaluated: 2021-07-14. Review status: criteria provided, single submitter. Criteria: Invitae Variant Classification Sherloc (09022015). Collection method: clinical testing. Allele origin: germline.
Comment: This variant has not been reported in the literature in individuals affected with SCO2-related conditions. In summary, the available evidence is currently insufficient to determine the role of this variant in disease. Therefore, it has been classified as a Variant of Uncertain Significance. Algorithms developed to predict the effect of missense changes on protein structure and function are either unavailable or do not agree on the potential impact of this missense change (SIFT: "Deleterious"; PolyPhen-2: "Probably Damaging"; Align-GVGD: "Class C0"). This variant is not present in population databases (ExAC no frequency). This sequence change replaces threonine with arginine at codon 64 of the SCO2 protein (p.Thr64Arg). The threonine residue is moderately conserved and there is a moderate physicochemical difference between threonine and arginine.